The following is an entry in ClinVar:

NM_001081.4(CUBN):c.2483G>A (p.Arg828His)

Gene: CUBN (cubilin; minus strand). Cytogenetic location: 10p13.
Variant type: single nucleotide variant.
Coding change: c.2483G>A on transcript NM_001081.4 (MANE Select); coding-DNA position 2483, G replaced by A.
Protein change: p.Arg828His; replaces arginine 828 with histidine.
Molecular consequence: missense variant.
Genome position (GRCh38, 1-based): chr10:17,071,568, C>T on the plus strand (G>A on the coding strand, the complement: CUBN is on the minus strand). VCF-style: chr10-17071568-C-T. GRCh37 (hg19) VCF-style: chr10-17113567-C-T.
Other names: short protein forms R828H.
Identifiers: ClinVar variation 299505 (VCV000299505.9), dbSNP rs199527884, ClinGen allele CA5424962.
Genomic context (GRCh38, chr10:17,071,568, plus strand): 5'-TGGTGGATGGTCCACCTACAGGTTCTTTCTCCAGGATACACGTTAGGAAAAAAAGGCGAG[C>T]GAATGACCCCTTCTCCAGTTAATTCATCCCCGCAAGCTGTAAGCATAAAAATTATAGTAG-3'
Protein context (NP_001072.2, residues 818-838): GDELTGEGVI[Arg828His]SPFFPNVYPG

ClinVar aggregate classification (germline): Uncertain significance. Review status: criteria provided, multiple submitters, no conflicts (2 of 4 stars). 4 submissions from 4 submitters: Uncertain significance (3). 1 of the submissions does not count toward it. Last evaluated 2024-02-07.

Conditions:
Imerslund-Grasbeck syndrome type 1 (IGS1). Also called: Megaloblastic anemia 1, Finnish type; MEGALOBLASTIC ANEMIA, 1; Imerslund-Gräsbeck syndrome 1. Identifiers: MedGen C4016819, MONDO:0100156, OMIM 261100.
Imerslund-Grasbeck syndrome. Also called: Megaloblastic anemia due to inborn errors of metabolism; Imerslund-Gräsbeck syndrome; ENTEROCYTE COBALAMIN MALABSORPTION; ENTEROCYTE INTRINSIC FACTOR RECEPTOR, DEFECT OF; PERNICIOUS ANEMIA, JUVENILE, DUE TO SELECTIVE INTESTINAL MALABSORPTION OF VITAMIN B12, WITH PROTEINURIA. Identifiers: Orphanet 35858, MedGen C4551825, MONDO:0009853.
CUBN-related disorder. Also called: CUBN-related condition.
Proteinuria, chronic benign. Identifiers: MedGen C5394384, MONDO:0030042, OMIM 618884.

Allele frequency attached by ClinVar (database versions not stated): gnomAD 0.00009; 1000 Genomes Project 30x 0.00031; 1000 Genomes Project 0.00040; gnomAD exomes 0.00017; ExAC 0.00010; TOPMed 0.00017.
gnomAD v4.1: 155 of 1,613,662 alleles (0.0096%); highest among the groups gnomAD compares: East Asian, 0.17%; no homozygotes.

Submissions (4):

Fulgent Genetics
Classification: Uncertain significance for Imerslund-Grasbeck syndrome type 1; Proteinuria, chronic benign. Last evaluated: 2024-02-07. Review status: criteria provided, single submitter. Criteria: ACMG Guidelines, 2015. Collection method: clinical testing. Allele origin: germline.

Labcorp Genetics (formerly Invitae), Labcorp
Classification: Uncertain significance for Imerslund-Grasbeck syndrome. Last evaluated: 2022-07-23. Review status: criteria provided, single submitter. Criteria: Invitae Variant Classification Sherloc (09022015). Collection method: clinical testing. Allele origin: germline.
Comment: This sequence change replaces arginine, which is basic and polar, with histidine, which is basic and polar, at codon 828 of the CUBN protein (p.Arg828His). This variant is present in population databases (rs199527884, gnomAD 0.2%). This variant has not been reported in the literature in individuals affected with CUBN-related conditions. ClinVar contains an entry for this variant (Variation ID: 299505). Algorithms developed to predict the effect of missense changes on protein structure and function output the following: SIFT: "Tolerated"; PolyPhen-2: "Benign"; Align-GVGD: "Class C0". The histidine amino acid residue is found in multiple mammalian species, which suggests that this missense change does not adversely affect protein function. In summary, the available evidence is currently insufficient to determine the role of this variant in disease. Therefore, it has been classified as a Variant of Uncertain Significance.

Illumina Laboratory Services, Illumina
Classification: Uncertain significance for Imerslund-Grasbeck syndrome type 1. Last evaluated: 2018-01-12. Review status: criteria provided, single submitter. Criteria: ICSL Variant Classification Criteria 13 December 2019. Collection method: clinical testing. Allele origin: germline.

PreventionGenetics, part of Exact Sciences
Classification: Likely benign for CUBN-related condition. Last evaluated: 2022-06-30. Review status: no assertion criteria provided. Collection method: clinical testing. Allele origin: germline. Not counted in ClinVar's aggregate classification.
Comment: This variant is classified as likely benign based on ACMG/AMP sequence variant interpretation guidelines (Richards et al. 2015 PMID: 25741868, with internal and published modifications).